The following is an entry in ClinVar:

NM_000844.4(GRM7):c.2622G>A (p.Ser874=)

Gene: GRM7 (glutamate metabotropic receptor 7; plus strand). Cytogenetic location: 3p26.1.
Variant type: single nucleotide variant.
Coding change: c.2622G>A on transcript NM_000844.4 (MANE Select); coding-DNA position 2622, G replaced by A.
Protein change: p.Ser874=; no amino-acid change (serine 874 retained).
Molecular consequence: synonymous variant.
Genome position (GRCh38, 1-based): chr3:7,680,219, G>A. VCF-style: chr3-7680219-G-A. GRCh37 (hg19) VCF-style: chr3-7721906-G-A.
Other names: c.2622G>A, p.Ser874= (NM_181874.3).
Identifiers: ClinVar variation 2155847 (VCV002155847.26), dbSNP rs149426913, ClinGen allele CA2235158.

ClinVar aggregate classification (germline): Likely benign. Review status: criteria provided, multiple submitters, no conflicts (2 of 4 stars). 2 submissions from 2 submitters: Likely benign (2). Last evaluated 2024-02-01.

Allele frequency attached by ClinVar (database versions not stated): ExAC 0.00001; gnomAD exomes 0.00001; gnomAD 0.00003; TOPMed 0.00005; 1000 Genomes Project 30x 0.00016; 1000 Genomes Project 0.00020.
gnomAD v4.1: 20 of 1,614,124 alleles (0.0012%); highest among the groups gnomAD compares: African/African-American, 0.016%; no homozygotes.

Submissions (2):

CeGaT Center for Human Genetics Tuebingen
Classification: Likely benign. Last evaluated: 2024-02-01. Review status: criteria provided, single submitter. Criteria: CeGaT Center For Human Genetics Tuebingen Variant Classification Criteria Version 2. Collection method: clinical testing. Allele origin: germline. Affected: yes. Observed: 1 variant allele.
Comment: GRM7: BP4, BP7

Labcorp Genetics (formerly Invitae), Labcorp
Classification: Likely benign. Last evaluated: 2022-06-24. Review status: criteria provided, single submitter. Criteria: Invitae Variant Classification Sherloc (09022015). Collection method: clinical testing. Allele origin: germline.